The following is an entry in ClinVar:

ClinVar aggregate classification (germline): Conflicting classifications of pathogenicity. Review status: criteria provided, conflicting classifications (1 of 4 stars). 45 submissions from 42 submitters: Pathogenic (5); Likely pathogenic (6); Uncertain significance (21); Likely benign (2). 11 of the submissions do not count toward it. Last evaluated 2026-09-01.

Conditions:
MEFV-related disorder. Also called: MEFV-related disorders; MEFV-related condition.
Acute febrile neutrophilic dermatosis (AFND). Also called: Sweet Syndrome; Gomm Button disease. Identifiers: Orphanet 3243, MedGen C0085077, MONDO:0011959, OMIM 608068.
Autoinflammatory syndrome. Identifiers: Orphanet 93665, MedGen C3890737, MONDO:0019751.
Abnormal heart morphology. Also called: Heart, malformation of; Abnormality of cardiac morphology. Identifiers: MedGen C0018798, MeSH D006330, HP:0001627.
Renal insufficiency. Also called: Renal failure; renal impairment. Identifiers: MedGen C1565489, HP:0000083.
Abnormal cardiovascular system morphology. Also called: Abnormality of cardiovascular system morphology. Identifiers: MedGen C4049796, HP:0030680.
Familial Mediterranean fever (FMF). Also called: Periodic peritonitis; Benign paroxysmal peritonitis; POLYSEROSITIS, FAMILIAL PAROXYSMAL; POLYSEROSITIS, RECURRENT. Identifiers: Orphanet 342, MedGen C0031069, MONDO:0018088, OMIM 249100. Disease mechanism: gain of function.
Familial Mediterranean fever, autosomal dominant. Also called: FMF, AUTOSOMAL DOMINANT; Dominant Familial Mediterranean Fever. Identifiers: Orphanet 342, MedGen C1851347, MONDO:0007601, OMIM 134610.
Inborn genetic diseases. Identifiers: MedGen C0950123, MeSH D030342.
Hypercholesterolemia, familial, 1. Also called: HYPERCHOLESTEROLEMIA, FAMILIAL, MODIFIER OF; LDL RECEPTOR DISORDER; Hyperlipoproteinemia Type IIa; HYPER-LOW-DENSITY-LIPOPROTEINEMIA; HYPERCHOLESTEROLEMIC XANTHOMATOSIS, FAMILIAL; Fredrickson type IIa hyperlipoproteinemia. Identifiers: Orphanet 391665, MedGen C0745103, MONDO:0007750, OMIM 143890.
Cachexia. Identifiers: MedGen C0006625, HP:0004326.
Abnormality of the dentition. Also called: Dental anomalies. Identifiers: MedGen C0262444, HP:0000164.
Syncope. Also called: fainting. Identifiers: MedGen C0039070, HP:0001279.
Peripheral neuropathy. Also called: Neuropathy. Identifiers: MedGen C0031117, MONDO:0005244, HP:0009830.
Urticaria. Also called: Urticaria (disease). Identifiers: MedGen C0042109, MONDO:0005492, HP:0001025.
Intermittent diarrhea. Identifiers: MedGen C0239181, HP:0002254.

Allele frequency attached by ClinVar (database versions not stated): 1000 Genomes Project 30x 0.00156; gnomAD exomes 0.00524 and 0.00386; gnomAD 0.00506 and 0.00492; ExAC 0.00550; TOPMed 0.00323; 1000 Genomes Project 0.00180.
gnomAD v4.1: 6,384 of 1,614,186 alleles (0.4%); highest among the groups gnomAD compares: Non-Finnish European, 0.39%; 54 homozygotes.

Submissions 1 to 7 of 45:

CeGaT Center for Human Genetics Tuebingen
Classification: Uncertain significance. Last evaluated: 2026-09-01. Review status: criteria provided, single submitter. Criteria: CeGaT Center For Human Genetics Tuebingen Variant Classification Criteria Version 2. Collection method: clinical testing. Allele origin: germline. Affected: yes. Observed: 70 variant alleles.
Comment: MEFV: PM1, BP4

OLLIN Analises Genomicas, OLLIN
Classification: Uncertain significance for Acute febrile neutrophilic dermatosis. Last evaluated: 2026-08-06. Review status: criteria provided, single submitter. Criteria: ACMG Guidelines 2015 PMID 25741868. Collection method: clinical testing. Allele origin: germline. Inheritance: Autosomal dominant inheritance.
Comment: This missense variant, located in exon 10 (of 10), has been reported in ClinVar (accession VCV000002547.118) and in gnomAD with an allele frequency of 0.4%. However, to our knowledge, it has not been reported in the scientific literature. In silico analysis is inconclusive regarding the impact of this variant. This variant is located in a region considered to be a mutational hotspot. According to the currently available evidence, this variant has been classified as uncertain significance (PM1, BS1).

PreventionGenetics, part of Exact Sciences
Classification: Uncertain significance for MEFV-related condition. Last evaluated: 2026-03-09. Review status: criteria provided, single submitter. Criteria: ACMG Guidelines, 2015. Collection method: clinical testing. Allele origin: germline.
Comment: The MEFV c.2084A>G variant is predicted to result in the amino acid substitution p.Lys695Arg. The c.2084A>G variant has been reported in both control populations and in patients with Familial Mediterranean Fever (FMF) in the presence of a second pathogenic allele (Tunca et al. 2002. PubMed ID: 12461684; Caglayan et al. 2010. PubMed ID: 19934083; Bernot et al. 1998. PubMed ID: 9668175; Aksentijevich et al. 1999. PubMed ID: 10090880). This variant is reported in 1.6% of alleles in individuals of European (Finnish) descent in gnomAD V2 (as displayed in the table above) and in 11 homozygotes globally. The c.2084A>G variant has conflicting interpretations from different laboratories ranging from likely benign to pathogenic. At this time, the clinical significance of the c.2084A>G variant is classified as uncertain due to the absence of conclusive functional and genetic information.

Labcorp Genetics (formerly Invitae), Labcorp
Classification: Likely benign for Familial Mediterranean fever. Last evaluated: 2026-02-02. Review status: criteria provided, single submitter. Criteria: Invitae Variant Classification Sherloc (09022015). Collection method: clinical testing. Allele origin: germline.

GeneDx
Classification: Uncertain significance. Last evaluated: 2025-11-21. Review status: criteria provided, single submitter. Criteria: GeneDx Variant Classification Process June 2021. Collection method: clinical testing. Allele origin: germline. Affected: yes.
Comment: Reported heterozygous without a second MEFV variant in individuals with FMF as well as in normal controls (PMID: 10090880, 29543225, 12461684, 20041150, 26003477); Observed on 0.14% of MEFV alleles of individuals with FMF in the Armenian population (PMID: 29543225); In silico analysis suggests that this missense variant does not alter protein structure/function; Has been considered a variant with reduced penetrance (PMID: 10090880, 11977178); Listed in ClinVar with conflicting classifications; This variant is associated with the following publications: (PMID: 16120953, 23907647, 27125729, 26690517, 26892483, 29707173, 30826945, 40008663, 40455168, 30513227, 22975760, 23588594, 24251727, 22953644, 19934083, 11977178, 16255051, 26399837, 26003477, 20041150, 25821352, 27364639, 25648235, 27022006, 26842301, 26400644, 24469716, 16730661, 28108907, 27582173, 27353043, 27051312, 23981758, 9668175, 21153919, 28927886, 18318646, 29977033, 26984802, 14615741, 11175300, 30783801, 28828621, 32199921, 32597225, 34426522, 32853466, 29080837, 33258288, 30476936, 35874679, 35110061, 35480407, 34819953, 10090880, 12461684, 33733382, 29543225, 37678716, 19302049, 39003954, 39052144, 33165748, 34492165, 40067091)

Johns Hopkins Genomics, Johns Hopkins University
Classification: Uncertain significance for Hypercholesterolemia, familial, 1. Last evaluated: 2025-09-21. Review status: criteria provided, single submitter. Criteria: ACMG Guidelines, 2015. Collection method: clinical testing. Allele origin: germline.
Comment: This MEFV variant (rs104895094) reaches polymorphic frequency (>1%) within the European (Finnish) subpopulation in a large population dataset (gnomADv4.1.0: 1038/64018 alleles; 1.62%, 12 homozygotes) and has been reported in ClinVar (Variation ID: 2547). This variant has been reported in the literature in individuals with familial Mediterranean fever (FMF) from multiple different ethnic backgrounds and is widely considered a reduced penetrance allele. It has been identified in the homozygous state, compound heterozygous state, and heterozygous state without a second MEFV variant in individuals with FMF as well as in unaffected individuals. The lysine residue at this position is conserved across primates, but three bioinformatic tools queried did not agree on the potential impact of this change (SIFT: 0.3; PP2HumVar: 0.578; REVEL: 0.353). Bioinformatic analysis predicts that this missense variant would not affect normal exon 10 splicing, although this has not been confirmed experimentally to our knowledge. Due to insufficient evidence that this variant is deleterious, we consider the clinical significance of MEFV c.2084A>G (p.Lys695Arg) to be uncertain at this time.

ARUP Laboratories, Molecular Genetics and Genomics, ARUP Laboratories
Classification: Pathogenic. Last evaluated: 2025-07-29. Review status: criteria provided, single submitter. Criteria: ARUP Molecular Germline Variant Investigation Process 2024. Collection method: clinical testing. Allele origin: germline.
Comment: The MEFV c.2084A>G; p.Lys695Arg variant (rs104895094) is reported in the medical literature in individuals with familial Mediterranean fever (FMF) as well as in individuals with other autoinflammatory diseases and has been implicated as a reduced penetrance allele (Altug 2013, Bernot 1998, Comak 2013, Feng 2009, Gershoni-Baruch 2002). The variant is listed in the ClinVar database (Variation ID: 2547). This variant is found in the general population with an overall allele frequency of 0.5% (1648/282878 alleles, including 11 homozygotes) in the Genome Aggregation Database (v2.1.1). The lysine at codon 695 is moderately conserved, and computational analyses are uncertain whether this variant is neutral or deleterious (REVEL: 0.353). Considering available information, this variant is classified as pathogenic, but may exhibit reduced penetrance. References: Altug U et al. MEFV gene mutations in Henoch-Schonlein purpura. Int J Rheum Dis. 2013 Jun;16(3):347-51. PMID: 23981758 Bernot et al. Non-founder mutations in the MEFV gene establish this gene as the cause of familial Mediterranean fever (FMF). Hum Mol Genet. 1998 7(8):1317-25. PMID: 9668175 Comak et al. MEFV gene mutations in Turkish children with juvenile idiopathic arthritis. Eur J Pediatr. 2013 172(8):1061-7. PMID: 23588594 Feng J et al. Missense mutations in the MEFV gene are associated with fibromyalgia syndrome and correlate with elevated IL-1beta plasma levels. PLoS One. 2009 Dec 30;4(12):e8480. PMID: 20041150 Gershoni-Baruch et al. Familial Mediterranean fever: the segregation of four different mutations in 13 individuals from one inbred family: genotype-phenotype correlation and intrafamilial variability. Am J Med Genet. 2002 109(3):198-201. PMID: 11977178

NM_000243.3(MEFV):c.2084A>G (p.Lys695Arg)

Genes: MEFV (MEFV innate immunity regulator, pyrin; minus strand), LOC126862264 (CDK7 strongly-dependent group 2 enhancer GRCh37_chr16:3293322-3294521; plus strand). Cytogenetic location: 16p13.3.
Variant type: single nucleotide variant.
Coding change: c.2084A>G on transcript NM_000243.3 (MANE Select); coding-DNA position 2084, A replaced by G.
Protein change: p.Lys695Arg; replaces lysine 695 with arginine.
Molecular consequence: missense variant. On other transcripts: 3 prime UTR variant (1).
Genome position (GRCh38, 1-based): chr16:3,243,403, T>C on the plus strand (A>G on the coding strand, the complement: MEFV is on the minus strand). VCF-style: chr16-3243403-T-C. GRCh37 (hg19) VCF-style: chr16-3293403-T-C.
Other names: c.*288A>G (NM_001198536.2); short protein forms K695R.
Identifiers: ClinVar variation 2547 (VCV000002547.121), dbSNP rs104895094, ClinGen allele CA280105.